The following is an entry in ClinVar:

ClinVar aggregate classification (germline): Likely benign. Review status: criteria provided, multiple submitters, no conflicts (2 of 4 stars). 3 submissions from 3 submitters: Likely benign (2). 1 of the submissions does not count toward it. Last evaluated 2025-07-30.

Conditions:
NAA10-related disorder. Also called: NAA10-related condition; NAA10-related disorders.

Allele frequency attached by ClinVar (database versions not stated): gnomAD exomes 0.00001; TOPMed 0.00001; ExAC 0.00002; gnomAD 0.00002.
gnomAD v4.1: 15 of 1,201,069 alleles (0.0012%); highest among the groups gnomAD compares: South Asian, 0.011%; no homozygotes.

Submissions (3):

Labcorp Genetics (formerly Invitae), Labcorp
Classification: Likely benign. Last evaluated: 2025-07-30. Review status: criteria provided, single submitter. Criteria: Invitae Variant Classification Sherloc (09022015). Collection method: clinical testing. Allele origin: germline.

Blueprint Genetics
Classification: Likely benign. Last evaluated: 2023-03-28. Review status: criteria provided, single submitter. Criteria: ACMG Guidelines, 2015. Collection method: clinical testing. Allele origin: germline.

PreventionGenetics, part of Exact Sciences
Classification: Likely benign for NAA10-related condition. Last evaluated: 2021-03-19. Review status: no assertion criteria provided. Collection method: clinical testing. Allele origin: germline. Not counted in ClinVar's aggregate classification.
Comment: This variant is classified as likely benign based on ACMG/AMP sequence variant interpretation guidelines (Richards et al. 2015 PMID: 25741868, with internal and published modifications).

NM_003491.4(NAA10):c.341+4G>A

Gene: NAA10 (N-alpha-acetyltransferase 10, NatA catalytic subunit; minus strand). Cytogenetic location: Xq28.
Variant type: single nucleotide variant.
Coding change: c.341+4G>A on transcript NM_003491.4 (MANE Select); 4 bases into the intron after coding-DNA position 341, G replaced by A.
Molecular consequence: intron variant.
Genome position (GRCh38, 1-based): chrX:153,932,312, C>T on the plus strand (G>A on the coding strand, the complement: NAA10 is on the minus strand). VCF-style: chrX-153932312-C-T. GRCh37 (hg19) VCF-style: chrX-153197765-C-T.
Other names: c.323+4G>A (NM_001256120.2); c.341+4G>A (NM_001256119.2).
Identifiers: ClinVar variation 3029992 (VCV003029992.5), dbSNP rs781809653, ClinGen allele CA10556193.